The following is an entry in ClinVar:

NM_001330078.2(NRXN1):c.772+1068C>G

Gene: NRXN1 (neurexin 1; minus strand). Cytogenetic location: 2p16.3.
Variant type: single nucleotide variant.
Coding change: c.772+1068C>G on transcript NM_001330078.2 (MANE Select); 1068 bases into the intron after coding-DNA position 772, C replaced by G.
Molecular consequence: intron variant. On other transcripts: missense variant (1).
Genome position (GRCh38, 1-based): chr2:51,026,434, G>C on the plus strand (C>G on the coding strand, the complement: NRXN1 is on the minus strand). VCF-style: chr2-51026434-G-C. GRCh37 (hg19) VCF-style: chr2-51253572-G-C.
Other names: c.808C>G, p.Leu270Val (NM_001135659.3); c.772+1068C>G (NM_001330096.2, NM_001330087.2, NM_001330083.2 and 14 more transcripts); c.808C>G (NM_001135659.1); short protein forms L270V.
Identifiers: ClinVar variation 1022997 (VCV001022997.11), dbSNP rs758515332, ClinGen allele CA1655390.

ClinVar aggregate classification (germline): Uncertain significance. Review status: criteria provided, multiple submitters, no conflicts (2 of 4 stars). 2 submissions from 2 submitters: Uncertain significance (2). Last evaluated 2023-10-31.

Conditions:
Pitt-Hopkins-like syndrome 2 (PTHSL2). Identifiers: Orphanet 221150, Orphanet 600663, MedGen C3280479, MONDO:0013690, OMIM 614325.

Allele frequency attached by ClinVar (database versions not stated): gnomAD below 0.00001 and 0.00001; gnomAD exomes below 0.00001; ExAC 0.00002.
gnomAD v4.1: 5 of 1,605,142 alleles (0.00031%); highest among the groups gnomAD compares: South Asian, 0.0056%; no homozygotes.

Submissions (2):

Revvity Omics, Revvity
Classification: Uncertain significance for Pitt-Hopkins-like syndrome 2. Last evaluated: 2023-10-31. Review status: criteria provided, single submitter. Criteria: ACMG Guidelines, 2015. Collection method: clinical testing. Allele origin: germline.

Labcorp Genetics (formerly Invitae), Labcorp
Classification: Uncertain significance for Pitt-Hopkins-like syndrome 2. Last evaluated: 2020-03-02. Review status: criteria provided, single submitter. Criteria: Invitae Variant Classification Sherloc (09022015). Collection method: clinical testing. Allele origin: germline.
Comment: In summary, the available evidence is currently insufficient to determine the role of this variant in disease. Therefore, it has been classified as a Variant of Uncertain Significance. Algorithms developed to predict the effect of missense changes on protein structure and function are either unavailable or do not agree on the potential impact of this missense change (SIFT: "Not Available"; PolyPhen-2: "Benign"; Align-GVGD: "Class C0"). This variant has not been reported in the literature in individuals with NRXN1-related conditions. This variant is present in population databases (rs758515332, ExAC 0.009%). This sequence change replaces leucine with valine at codon 270 of the NRXN1 protein (p.Leu270Val). The leucine residue is weakly conserved and there is a small physicochemical difference between leucine and valine.